The following is an entry in ClinVar:

ClinVar aggregate classification (germline): Conflicting classifications of pathogenicity. Review status: criteria provided, conflicting classifications (1 of 4 stars). 2 submissions from 2 submitters: Uncertain significance (1); Likely benign (1). Last evaluated 2025-10-22.

Allele frequency attached by ClinVar (database versions not stated): gnomAD 0.00002; TOPMed 0.00002; ExAC 0.00003; gnomAD exomes 0.00005.
gnomAD v4.1: 71 of 1,610,300 alleles (0.0044%); highest among the groups gnomAD compares: Non-Finnish European, 0.0059%; no homozygotes.

Submissions (2):

Ambry Genetics
Classification: Likely benign. Last evaluated: 2025-10-22. Review status: criteria provided, single submitter. Criteria: Ambry Variant Classification Scheme 2023. Collection method: clinical testing. Allele origin: germline.

Labcorp Genetics (formerly Invitae), Labcorp
Classification: Uncertain significance. Last evaluated: 2022-07-21. Review status: criteria provided, single submitter. Criteria: Invitae Variant Classification Sherloc (09022015). Collection method: clinical testing. Allele origin: germline.
Comment: This variant is present in population databases (rs761388824, gnomAD 0.006%). This sequence change affects codon 1431 of the DLC1 mRNA. It is a 'silent' change, meaning that it does not change the encoded amino acid sequence of the DLC1 protein. It affects a nucleotide within the consensus splice site. This variant has not been reported in the literature in individuals affected with DLC1-related conditions. Algorithms developed to predict the effect of sequence changes on RNA splicing suggest that this variant is not likely to affect RNA splicing. In summary, the available evidence is currently insufficient to determine the role of this variant in disease. Therefore, it has been classified as a Variant of Uncertain Significance.

NM_182643.3(DLC1):c.4293A>G (p.Arg1431=)

Gene: DLC1 (DLC1 Rho GTPase activating protein; minus strand). Cytogenetic location: 8p22.
Variant type: single nucleotide variant.
Coding change: c.4293A>G on transcript NM_182643.3 (MANE Select); coding-DNA position 4293, A replaced by G.
Protein change: p.Arg1431=; no amino-acid change (arginine 1431 retained).
Molecular consequence: synonymous variant. On other transcripts: intron variant (1).
Genome position (GRCh38, 1-based): chr8:13,086,463, T>C on the plus strand (A>G on the coding strand, the complement: DLC1 is on the minus strand). VCF-style: chr8-13086463-T-C. GRCh37 (hg19) VCF-style: chr8-12943972-T-C.
Other names: c.2760A>G, p.Arg920= (NM_001164271.2, NM_001348082.2, NM_001348083.1 and 6 more transcripts); c.3084A>G, p.Arg1028= (NM_001316668.2); c.4293A>G, p.Arg1431= (NM_001348081.2, NM_001413124.1); c.2865A>G, p.Arg955= (NM_001413129.1); c.3075A>G, p.Arg1025= (NM_001413130.1); c.2733A>G, p.Arg911= (NM_001413131.1, NM_001413137.1); c.3219A>G, p.Arg1073= (NM_001413132.1); c.2982A>G, p.Arg994= (NM_001413135.1, NM_006094.5); and 4 more.
Identifiers: ClinVar variation 2181927 (VCV002181927.5), dbSNP rs761388824, ClinGen allele CA4637952.
Genomic context (GRCh38, chr8:13,086,463, plus strand): 5'-GTGATCCACAGAGGTTAGTAAAAGGGCACAGGCTCCTTTGGGTAAATTAGTCCTCCAGGT[T>C]CTGTAGAGACAAAACCAGAGGCAGAAATGATGGAATTTCATAGAAGCCAAGTTTAAAATC-3'
Protein context (NP_872584.2, residues 1421-1441): PHPARDYVVL[Arg1431=]TWRTNLPKGA